The following is an entry in ClinVar:

ClinVar aggregate classification (germline): Uncertain significance. Review status: criteria provided, multiple submitters, no conflicts (2 of 4 stars). 2 submissions from 2 submitters: Uncertain significance (2). Last evaluated 2025-11-06.

Conditions:
Inborn genetic diseases. Identifiers: MedGen C0950123, MeSH D030342.

gnomAD v4.1: 19 of 1,613,060 alleles (0.0012%); highest among the groups gnomAD compares: Non-Finnish European, 0.0016%; no homozygotes.

Submissions (2):

Ambry Genetics
Classification: Uncertain significance for Inborn genetic diseases. Last evaluated: 2025-11-06. Review status: criteria provided, single submitter. Criteria: Ambry Variant Classification Scheme 2023. Collection method: clinical testing. Allele origin: germline.

Labcorp Genetics (formerly Invitae), Labcorp
Classification: Uncertain significance. Last evaluated: 2024-04-16. Review status: criteria provided, single submitter. Criteria: Invitae Variant Classification Sherloc (09022015). Collection method: clinical testing. Allele origin: germline.
Comment: This sequence change replaces threonine, which is neutral and polar, with alanine, which is neutral and non-polar, at codon 3980 of the LRP2 protein (p.Thr3980Ala). This variant is present in population databases (no rsID available, gnomAD 0.004%). This variant has not been reported in the literature in individuals affected with LRP2-related conditions. Advanced modeling of protein sequence and biophysical properties (such as structural, functional, and spatial information, amino acid conservation, physicochemical variation, residue mobility, and thermodynamic stability) performed at Invitae indicates that this missense variant is not expected to disrupt LRP2 protein function with a negative predictive value of 95%. In summary, the available evidence is currently insufficient to determine the role of this variant in disease. Therefore, it has been classified as a Variant of Uncertain Significance.

NM_004525.3(LRP2):c.11938A>G (p.Thr3980Ala)

Gene: LRP2 (LDL receptor related protein 2; minus strand). Cytogenetic location: 2q31.1.
Variant type: single nucleotide variant.
Coding change: c.11938A>G on transcript NM_004525.3 (MANE Select); coding-DNA position 11938, A replaced by G.
Protein change: p.Thr3980Ala; replaces threonine 3980 with alanine.
Molecular consequence: missense variant.
Genome position (GRCh38, 1-based): chr2:169,157,452, T>C on the plus strand (A>G on the coding strand, the complement: LRP2 is on the minus strand). VCF-style: chr2-169157452-T-C. GRCh37 (hg19) VCF-style: chr2-170013962-T-C.
Other names: c.11938A>G (NM_004525.2); short protein forms T3980A.
Identifiers: ClinVar variation 3606530 (VCV003606530.3).
Genomic context (GRCh38, chr2:169,157,452, plus strand): 5'-AAACATTGGTTTCGAACCCAGCTGTACAGGAGCAGATAAATCCTCCTTCATTTAATTGGG[T>C]ACAATTTTGCTCGCATATATTTTCAGCACATGTTCTTTCTTTTCCTTTATCTGAAAAACA-3'
Protein context (NP_004516.2, residues 3970-3990): CAENICEQNC[Thr3980Ala]QLNEGGFICS